The following is an entry in ClinVar:

ClinVar aggregate classification (germline): Uncertain significance (1 of 4 stars; one submission).

Conditions:
Autosomal dominant epilepsy with auditory features. Identifiers: Orphanet 101046, MedGen C1838062, MONDO:0010898.

Submission:

Labcorp Genetics (formerly Invitae), Labcorp
Classification: Uncertain significance for Autosomal dominant epilepsy with auditory features. Last evaluated: 2025-11-15. Review status: criteria provided, single submitter. Criteria: Invitae Variant Classification Sherloc (09022015). Collection method: clinical testing. Allele origin: germline.
Comment: This sequence change replaces glycine, which is neutral and non-polar, with valine, which is neutral and non-polar, at codon 172 of the LGI1 protein (p.Gly172Val). This variant is not present in population databases (gnomAD no frequency). This variant has not been reported in the literature in individuals affected with LGI1-related conditions. Invitae Evidence Modeling of protein sequence and biophysical properties (such as structural, functional, and spatial information, amino acid conservation, physicochemical variation, residue mobility, and thermodynamic stability) has been performed for this missense variant. However, the output from this modeling did not meet the statistical confidence thresholds required to predict the impact of this variant on LGI1 protein function. In summary, the available evidence is currently insufficient to determine the role of this variant in disease. Therefore, it has been classified as a Variant of Uncertain Significance.

NM_005097.4(LGI1):c.515G>T (p.Gly172Val)

Gene: LGI1 (leucine rich glioma inactivated 1; plus strand). Cytogenetic location: 10q23.33.
Variant type: single nucleotide variant.
Coding change: c.515G>T on transcript NM_005097.4 (MANE Select); coding-DNA position 515, G replaced by T.
Protein change: p.Gly172Val; replaces glycine 172 with valine.
Molecular consequence: missense variant. On other transcripts: non-coding transcript variant (1).
Genome position (GRCh38, 1-based): chr10:93,792,754, G>T. VCF-style: chr10-93792754-G-T. GRCh37 (hg19) VCF-style: chr10-95552511-G-T.
Other names: c.515G>T, p.Gly172Val (NM_001308275.2); c.371G>T, p.Gly124Val (NM_001308276.2); short protein forms G172V, G124V.
Identifiers: ClinVar variation 4742963 (VCV004742963.1).
Genomic context (GRCh38, chr10:93,792,754, plus strand): 5'-CGTGGGTAGGGCCCTTGTACAGCAAAAGCAGCTGAAGTTTGTCTTTCAGGGACCTGAGGG[G>T]TAATTCATTTAATTGTGACTGTAAACTGAAATGGCTAGTGGAATGGCTTGGCCACACCAA-3'
Protein context (NP_005088.1, residues 162-182): LDSLTNVDLR[Gly172Val]NSFNCDCKLK